The following is an entry in ClinVar:

NM_005982.4(SIX1):c.402G>A (p.Lys134=)

Gene: SIX1 (SIX homeobox 1; minus strand). Cytogenetic location: 14q23.1.
Variant type: single nucleotide variant.
Coding change: c.402G>A on transcript NM_005982.4 (MANE Select); coding-DNA position 402, G replaced by A.
Protein change: p.Lys134=; no amino-acid change (lysine 134 retained).
Molecular consequence: synonymous variant.
Genome position (GRCh38, 1-based): chr14:60,648,788, C>T on the plus strand (G>A on the coding strand, the complement: SIX1 is on the minus strand). VCF-style: chr14-60648788-C-T. GRCh37 (hg19) VCF-style: chr14-61115506-C-T.
Identifiers: ClinVar variation 497389 (VCV000497389.17), dbSNP rs151189392, ClinGen allele CA7212821.

ClinVar aggregate classification (germline): Conflicting classifications of pathogenicity. Review status: criteria provided, conflicting classifications (1 of 4 stars). 5 submissions from 5 submitters: Uncertain significance (1); Benign (1); Likely benign (3). Last evaluated 2026-06-01.

Conditions:
SIX1-related disorder. Also called: SIX1-related condition.
Autosomal dominant nonsyndromic hearing loss 23. Identifiers: Orphanet 90635, MedGen C1854594, MONDO:0011519, OMIM 605192.
Branchiootic syndrome 3 (BOS3). Also called: BO SYNDROME 3. Identifiers: MedGen C1842124, MONDO:0012025, OMIM 608389.

Allele frequency attached by ClinVar (database versions not stated): ExAC 0.00008; gnomAD exomes 0.00009; 1000 Genomes Project 30x 0.00016; 1000 Genomes Project 0.00020; ESP Exome Variant Server 0.00031; gnomAD 0.00032 and 0.00034; TOPMed 0.00039.
gnomAD v4.1: 95 of 1,614,228 alleles (0.0059%); highest among the groups gnomAD compares: African/African-American, 0.11%; no homozygotes.

Submissions (5):

CeGaT Center for Human Genetics Tuebingen
Classification: Likely benign. Last evaluated: 2026-06-01. Review status: criteria provided, single submitter. Criteria: CeGaT Center For Human Genetics Tuebingen Variant Classification Criteria Version 2. Collection method: clinical testing. Allele origin: germline. Affected: yes. Observed: 1 variant allele.
Comment: SIX1: BP4, BS1

PreventionGenetics, part of Exact Sciences
Classification: Likely benign for SIX1-related condition. Last evaluated: 2026-03-03. Review status: criteria provided, single submitter. Criteria: ACMG Guidelines, 2015. Collection method: clinical testing. Allele origin: germline.
Comment: This variant is classified as likely benign based on ACMG/AMP sequence variant interpretation guidelines (Richards et al. 2015 PMID: 25741868, with internal and published modifications).

Labcorp Genetics (formerly Invitae), Labcorp
Classification: Benign for Autosomal dominant nonsyndromic hearing loss 23; Branchiootic syndrome 3. Last evaluated: 2025-08-29. Review status: criteria provided, single submitter. Criteria: Invitae Variant Classification Sherloc (09022015). Collection method: clinical testing. Allele origin: germline.

GeneDx
Classification: Likely benign. Last evaluated: 2018-04-30. Review status: criteria provided, single submitter. Criteria: GeneDx Variant Classification (06012015). Collection method: clinical testing. Allele origin: germline. Affected: yes.
Comment: This variant is considered likely benign or benign based on one or more of the following criteria: it is a conservative change, it occurs at a poorly conserved position in the protein, it is predicted to be benign by multiple in silico algorithms, and/or has population frequency not consistent with disease.

Eurofins Ntd Llc (ga)
Classification: Uncertain significance. Last evaluated: 2016-10-12. Review status: criteria provided, single submitter. Criteria: EGL Classification Definitions 2015. Collection method: clinical testing. Allele origin: germline. Observed: 1 variant allele, 1 heterozygote.